The following is an entry in ClinVar:

ClinVar aggregate classification (germline): Uncertain significance (1 of 4 stars; one submission).

Conditions:
Hereditary spastic paraplegia 31. Also called: SPASTIC PARAPLEGIA 31, AUTOSOMAL DOMINANT. Identifiers: Orphanet 101011, MedGen C1853247, MONDO:0012453, OMIM 610250.

Submission:

Labcorp Genetics (formerly Invitae), Labcorp
Classification: Uncertain significance for Hereditary spastic paraplegia 31. Last evaluated: 2024-01-29. Review status: criteria provided, single submitter. Criteria: Invitae Variant Classification Sherloc (09022015). Collection method: clinical testing. Allele origin: germline.
Comment: This variant results in a copy number gain of the genomic region encompassing exon(s) 2-7 of the REEP1 gene. This region includes the termination codon of the gene. This copy number gain extends beyond the assayed region for this gene and therefore may encompass additional genes. As the precise location of this event is unknown, it may be in tandem or it may be located elsewhere in the genome. A similar copy number variant has been observed in individual(s) with hereditary spastic paraplegia (PMID: 18321925). Experimental studies and prediction algorithms are not available or were not evaluated, and the functional significance of this variant is currently unknown. In summary, the available evidence is currently insufficient to determine the role of this variant in disease. Therefore, it has been classified as a Variant of Uncertain Significance.

Literature cited by the submitters: PubMed 18321925.

NC_000002.11:g.(?_86444223)_(86509385_?)dup

Gene: REEP1 (receptor accessory protein 1; minus strand). Cytogenetic location: 2p11.2.
Variant type: Duplication.
Identifiers: ClinVar variation 1389557 (VCV001389557.5).